The following is an entry in ClinVar:

ClinVar aggregate classification (germline): Uncertain significance (1 of 4 stars; one submission).

Conditions:
Hereditary cancer-predisposing syndrome. Also called: Neoplastic Syndromes, Hereditary; Tumor predisposition; Hereditary Cancer Syndrome; Hereditary neoplastic syndrome. Identifiers: Orphanet 140162, MedGen C0027672, MeSH D009386, MONDO:0015356.

Submission:

Labcorp Genetics (formerly Invitae), Labcorp
Classification: Uncertain significance for Hereditary cancer-predisposing syndrome. Last evaluated: 2022-12-15. Review status: criteria provided, single submitter. Criteria: Invitae Variant Classification Sherloc (09022015). Collection method: clinical testing. Allele origin: germline.
Comment: Algorithms developed to predict the effect of missense changes on protein structure and function are either unavailable or do not agree on the potential impact of this missense change (SIFT: "Not Available"; PolyPhen-2: "Possibly Damaging"; Align-GVGD: "Not Available"). ClinVar contains an entry for this variant (Variation ID: 1001471). This variant has not been reported in the literature in individuals affected with RAD50-related conditions. Information on the frequency of this variant in the gnomAD database is not available, as this variant may be reported differently in the database. This sequence change replaces alanine, which is neutral and non-polar, with phenylalanine, which is neutral and non-polar, at codon 1194 of the RAD50 protein (p.Ala1194Phe). In summary, the available evidence is currently insufficient to determine the role of this variant in disease. Therefore, it has been classified as a Variant of Uncertain Significance.

NM_005732.4(RAD50):c.3580_3581delinsTT (p.Ala1194Phe)

Genes: TH2-LCR (Th2 cytokine locus control region; plus strand), TH2LCRR (T helper type 2 locus control region associated RNA; minus strand), RAD50 (RAD50 double strand break repair protein; plus strand). Cytogenetic location: 5q31.1.
Variant type: Indel.
Coding change: c.3580_3581delinsTT on transcript NM_005732.4 (MANE Select); coding-DNA positions 3580 to 3581, GC replaced by TT.
Protein change: p.Ala1194Phe; replaces alanine 1194 with phenylalanine.
Molecular consequence: missense variant. On other transcripts: non-coding transcript variant (3).
Genome position (GRCh38, 1-based): chr5:132,638,185-132,638,186, GC replaced by TT. VCF-style: chr5-132638185-GC-TT. GRCh37 (hg19) VCF-style: chr5-131973877-GC-TT.
Other names: short protein forms A1194F.
Identifiers: ClinVar variation 1001471 (VCV001001471.9), dbSNP rs1751633499, ClinGen allele CA1583252830.